The following is an entry in ClinVar:

GRCh37/hg19 6q23.3-24.3(chr6:135239633-146997510)

Genes: ABRACL (ABRA C-terminal like; plus strand), ADAT2 (adenosine deaminase tRNA specific 2; minus strand), ADGB (androglobin; plus strand), ADGRG6 (adhesion G protein-coupled receptor G6; plus strand), AHI1 (Abelson helper integration site 1; minus strand) and 46 more. Cytogenetic location: 6q23.3-24.3.
Variant type: copy number loss.
Identifiers: ClinVar variation 625705 (VCV000625705.1).

ClinVar aggregate classification (germline): Pathogenic (1 of 4 stars; one submission).

Submission:

Baylor Genetics
Classification: Pathogenic. Last evaluated: 2018-11-01. Review status: criteria provided, single submitter. Criteria: ACMG CNV Guidelines, 2011. Collection method: clinical testing. Allele origin: germline. Observed: 1 variant allele.